The following is an entry in ClinVar:

NM_025074.7(FRAS1):c.9265C>T (p.Gln3089Ter)

Gene: FRAS1 (Fraser extracellular matrix complex subunit 1; plus strand). Cytogenetic location: 4q21.21.
Variant type: single nucleotide variant.
Coding change: c.9265C>T on transcript NM_025074.7 (MANE Select); coding-DNA position 9265, C replaced by T.
Protein change: p.Gln3089Ter; replaces glutamine 3089 with a stop codon.
Molecular consequence: nonsense.
Genome position (GRCh38, 1-based): chr4:78,499,870, C>T. VCF-style: chr4-78499870-C-T. GRCh37 (hg19) VCF-style: chr4-79421024-C-T.
Other names: short protein forms Q3089*.
Identifiers: ClinVar variation 2852317 (VCV002852317.3), dbSNP rs2475792990, ClinGen allele CA357378004.

ClinVar aggregate classification (germline): Pathogenic (1 of 4 stars; one submission).

Allele frequency attached by ClinVar (database versions not stated): gnomAD exomes 0.00001.
gnomAD v4.1: 13 of 1,610,498 alleles (0.00081%); highest among the groups gnomAD compares: Non-Finnish European, 0.001%; no homozygotes.

Submission:

Labcorp Genetics (formerly Invitae), Labcorp
Classification: Pathogenic. Last evaluated: 2023-04-06. Review status: criteria provided, single submitter. Criteria: Invitae Variant Classification Sherloc (09022015). Collection method: clinical testing. Allele origin: germline.
Comment: This sequence change creates a premature translational stop signal (p.Gln3089*) in the FRAS1 gene. It is expected to result in an absent or disrupted protein product. Loss-of-function variants in FRAS1 are known to be pathogenic (PMID: 12766769, 18671281). This variant is not present in population databases (gnomAD no frequency). This variant has not been reported in the literature in individuals affected with FRAS1-related conditions. For these reasons, this variant has been classified as Pathogenic.

Literature cited by the submitters: PubMed 12766769; PubMed 18671281.